The following is an entry in ClinVar:

ClinVar aggregate classification (germline): Uncertain significance (1 of 4 stars; one submission).

Allele frequency attached by ClinVar (database versions not stated): gnomAD exomes below 0.00001.
gnomAD v4.1: 1 of 1,526,274 alleles (0.000066%); highest among the groups gnomAD compares: Admixed American, 0.0022%; no homozygotes.

Submission:

Labcorp Genetics (formerly Invitae), Labcorp
Classification: Uncertain significance. Last evaluated: 2022-11-17. Review status: criteria provided, single submitter. Criteria: Invitae Variant Classification Sherloc (09022015). Collection method: clinical testing. Allele origin: germline.
Comment: In summary, the available evidence is currently insufficient to determine the role of this variant in disease. Therefore, it has been classified as a Variant of Uncertain Significance. Variants that disrupt the consensus splice site are a relatively common cause of aberrant splicing (PMID: 17576681, 9536098). Algorithms developed to predict the effect of sequence changes on RNA splicing suggest that this variant may disrupt the consensus splice site. This variant has not been reported in the literature in individuals affected with GEN1-related conditions. This variant is not present in population databases (gnomAD no frequency). This sequence change falls in intron 13 of the GEN1 gene. It does not directly change the encoded amino acid sequence of the GEN1 protein. It affects a nucleotide within the consensus splice site.

Literature cited by the submitters: PubMed 17576681; PubMed 9536098.

NM_001130009.3(GEN1):c.1409-2A>G

Gene: GEN1 (GEN1 structure-specific endonuclease; plus strand). Cytogenetic location: 2p24.2.
Variant type: single nucleotide variant.
Coding change: c.1409-2A>G on transcript NM_001130009.3 (MANE Select); the canonical splice acceptor site of the intron before coding-DNA position 1409, A replaced by G.
Molecular consequence: splice acceptor variant.
Genome position (GRCh38, 1-based): chr2:17,780,619, A>G. VCF-style: chr2-17780619-A-G. GRCh37 (hg19) VCF-style: chr2-17961886-A-G.
Other names: c.1409-2A>G (NM_182625.5).
Identifiers: ClinVar variation 2896573 (VCV002896573.3), dbSNP rs2545625836, ClinGen allele CA345925666.
Genomic context (GRCh38, chr2:17,780,619, plus strand): 5'-TTTTTACCCAAGTTAAAGCAAAGAAAATAAATGTTGATTATATGTATTTTTTTTCTTTTC[A>G]GGTATTAAGCCTAAAGAAAACAATTTGCCAGAACCAGATGAAGTAATGAGCTTTCAGTCA-3'